The following is an entry in ClinVar:

NM_022089.4(ATP13A2):c.2227C>T (p.Arg743Cys)

Gene: ATP13A2 (ATPase cation transporting 13A2; minus strand). Cytogenetic location: 1p36.13.
Variant type: single nucleotide variant.
Coding change: c.2227C>T on transcript NM_022089.4 (MANE Select); coding-DNA position 2227, C replaced by T.
Protein change: p.Arg743Cys; replaces arginine 743 with cysteine.
Molecular consequence: missense variant.
Genome position (GRCh38, 1-based): chr1:16,991,758, G>A on the plus strand (C>T on the coding strand, the complement: ATP13A2 is on the minus strand). VCF-style: chr1-16991758-G-A. GRCh37 (hg19) VCF-style: chr1-17318253-G-A.
Other names: c.2212C>T, p.Arg738Cys (NM_001141973.3, NM_001141974.3); short protein forms R738C, R743C.
Identifiers: ClinVar variation 2043282 (VCV002043282.1), dbSNP rs375764016, ClinGen allele CA636936.

ClinVar aggregate classification (germline): Uncertain significance (1 of 4 stars; one submission).

Conditions:
Autosomal recessive spastic paraplegia type 78. Identifiers: Orphanet 513436, MedGen C5567893, MONDO:0014975, OMIM 617225.
Kufor-Rakeb syndrome (KRS). Also called: PARKINSON DISEASE 9, AUTOSOMAL RECESSIVE, JUVENILE-ONSET. Identifiers: Orphanet 306674, Orphanet 314632, MedGen C1847640, MONDO:0011706, OMIM 606693.

Allele frequency attached by ClinVar (database versions not stated): ESP Exome Variant Server 0.00008; gnomAD 0.00011; TOPMed 0.00015; 1000 Genomes Project 0.00020; 1000 Genomes Project 30x 0.00031.
gnomAD v4.1: 41 of 1,614,130 alleles (0.0025%); highest among the groups gnomAD compares: African/African-American, 0.037%; no homozygotes.

Submission:

Labcorp Genetics (formerly Invitae), Labcorp
Classification: Uncertain significance for Kufor-Rakeb syndrome; Autosomal recessive spastic paraplegia type 78. Last evaluated: 2022-08-21. Review status: criteria provided, single submitter. Criteria: Invitae Variant Classification Sherloc (09022015). Collection method: clinical testing. Allele origin: germline.
Comment: This sequence change replaces arginine, which is basic and polar, with cysteine, which is neutral and slightly polar, at codon 743 of the ATP13A2 protein (p.Arg743Cys). This variant is present in population databases (rs375764016, gnomAD 0.04%). This variant has not been reported in the literature in individuals affected with ATP13A2-related conditions. Advanced modeling of protein sequence and biophysical properties (such as structural, functional, and spatial information, amino acid conservation, physicochemical variation, residue mobility, and thermodynamic stability) performed at Invitae indicates that this missense variant is not expected to disrupt ATP13A2 protein function. In summary, the available evidence is currently insufficient to determine the role of this variant in disease. Therefore, it has been classified as a Variant of Uncertain Significance.